The following is an entry in ClinVar:

ClinVar aggregate classification (germline): Uncertain significance. Review status: criteria provided, multiple submitters, no conflicts (2 of 4 stars). 2 submissions from 2 submitters: Uncertain significance (2). Last evaluated 2026-06-10.

Conditions:
Charcot-Marie-Tooth disease type 2. Also called: Charcot-Marie-Tooth type 2. Identifiers: Orphanet 64746, MedGen C0270914, MONDO:0018993.

Allele frequency attached by ClinVar (database versions not stated): gnomAD 0.00001; TOPMed 0.00001.
gnomAD v4.1: 1 of 1,612,326 alleles (0.000062%); highest among the groups gnomAD compares: Non-Finnish European, 0.000085%; no homozygotes.

Submissions (2):

GeneDx
Classification: Uncertain significance. Last evaluated: 2026-06-10. Review status: criteria provided, single submitter. Criteria: GeneDx Variant Classification Process June 2021. Collection method: clinical testing. Allele origin: germline.
Comment: Has not been previously published as pathogenic or benign to our knowledge; Not observed at significant frequency in large population cohorts (gnomAD); In silico analysis supports that this missense variant has a deleterious effect on protein structure/function; This variant is associated with the following publications: (PMID: 25168514, 26138142, 26503042)

Labcorp Genetics (formerly Invitae), Labcorp
Classification: Uncertain significance for Charcot-Marie-Tooth disease type 2. Last evaluated: 2022-10-17. Review status: criteria provided, single submitter. Criteria: Invitae Variant Classification Sherloc (09022015). Collection method: clinical testing. Allele origin: germline.
Comment: In summary, the available evidence is currently insufficient to determine the role of this variant in disease. Therefore, it has been classified as a Variant of Uncertain Significance. Algorithms developed to predict the effect of missense changes on protein structure and function (SIFT, PolyPhen-2, Align-GVGD) all suggest that this variant is likely to be disruptive. ClinVar contains an entry for this variant (Variation ID: 946898). This variant has not been reported in the literature in individuals affected with GARS-related conditions. This variant is not present in population databases (gnomAD no frequency). This sequence change replaces leucine, which is neutral and non-polar, with arginine, which is basic and polar, at codon 246 of the GARS protein (p.Leu246Arg).

NM_002047.4(GARS1):c.737T>G (p.Leu246Arg)

Gene: GARS1 (glycyl-tRNA synthetase 1; plus strand). Cytogenetic location: 7p14.3.
Variant type: single nucleotide variant.
Coding change: c.737T>G on transcript NM_002047.4 (MANE Select); coding-DNA position 737, T replaced by G.
Protein change: p.Leu246Arg; replaces leucine 246 with arginine.
Molecular consequence: missense variant.
Genome position (GRCh38, 1-based): chr7:30,609,586, T>G. VCF-style: chr7-30609586-T-G. GRCh37 (hg19) VCF-style: chr7-30649202-T-G.
Other names: c.575T>G, p.Leu192Arg (NM_001316772.1); short protein forms L246R, L192R.
Identifiers: ClinVar variation 946898 (VCV000946898.11), dbSNP rs200437855, ClinGen allele CA156048967.